The following is an entry in ClinVar:

ClinVar aggregate classification (germline): Uncertain significance (1 of 4 stars; one submission).

gnomAD v4.1: 1 of 1,543,732 alleles (0.000065%); highest among the groups gnomAD compares: Non-Finnish European, 0.000087%; no homozygotes.

Submission:

GeneDx
Classification: Uncertain significance. Last evaluated: 2025-03-04. Review status: criteria provided, single submitter. Criteria: GeneDx Variant Classification Process June 2021. Collection method: clinical testing. Allele origin: germline. Affected: yes.
Comment: Not observed at significant frequency in large population cohorts (gnomAD); Has not been previously published as pathogenic or benign to our knowledge; Located in a regulatory region; in the absence of functional studies, the actual effect of this sequence change is unknown

NM_001256864.2(DNAJC6):c.-4G>A

Gene: DNAJC6 (DnaJ heat shock protein family (Hsp40) member C6; plus strand). Cytogenetic location: 1p31.3.
Variant type: single nucleotide variant.
Coding change: c.-4G>A on transcript NM_001256864.2 (MANE Select); 4 bases upstream of the start codon, G replaced by A.
Molecular consequence: 5 prime UTR variant. On other transcripts: intron variant (2).
Genome position (GRCh38, 1-based): chr1:65,309,742, G>A. VCF-style: chr1-65309742-G-A. GRCh37 (hg19) VCF-style: chr1-65775425-G-A.
Other names: c.-130-35869G>A (NM_001256865.2); c.22+44810G>A (NM_014787.4).
Identifiers: ClinVar variation 4082601 (VCV004082601.1).